The following is an entry in ClinVar:

NM_001127644.2(GABRA1):c.1199T>C (p.Val400Ala)

Gene: GABRA1 (gamma-aminobutyric acid type A receptor subunit alpha1; plus strand). Cytogenetic location: 5q34.
Variant type: single nucleotide variant.
Coding change: c.1199T>C on transcript NM_001127644.2 (MANE Select); coding-DNA position 1199, T replaced by C.
Protein change: p.Val400Ala; replaces valine 400 with alanine.
Molecular consequence: missense variant.
Genome position (GRCh38, 1-based): chr5:161,897,250, T>C. VCF-style: chr5-161897250-T-C. GRCh37 (hg19) VCF-style: chr5-161324256-T-C.
Other names: c.1199T>C, p.Val400Ala (NM_000806.5, NM_001127643.2, NM_001127645.2 and 1 more transcripts); short protein forms V400A.
Identifiers: ClinVar variation 2937929 (VCV002937929.3), dbSNP rs1473605838, ClinGen allele CA362180871.
Genomic context (GRCh38, chr5:161,897,250, plus strand): 5'-CCAGGGGCGACCCGGGCTTAGCCACCATTGCTAAAAGTGCAACCATAGAACCTAAAGAGG[T>C]CAAGCCCGAAACAAAACCACCAGAACCCAAGAAAACCTTTAACAGTGTCAGCAAAATTGA-3'
Protein context (NP_001121116.1, residues 390-410): AKSATIEPKE[Val400Ala]KPETKPPEPK

ClinVar aggregate classification (germline): Uncertain significance (1 of 4 stars; one submission).

Conditions:
Epilepsy, idiopathic generalized, susceptibility to, 13. Also called: EPILEPSY, JUVENILE MYOCLONIC, SUSCEPTIBILITY TO, 5. Identifiers: Orphanet 307, Orphanet 64280, MedGen C4013473, MONDO:0012627, OMIM 611136.
Idiopathic generalized epilepsy. Also called: EIG; Generalised epilepsy. Identifiers: MedGen C0270850, MONDO:0005579, OMIM 600669.
Epilepsy, childhood absence 4 (ECA4). Also called: EPILEPSY, CHILDHOOD ABSENCE, SUSCEPTIBILITY TO, 4. Identifiers: Orphanet 307, MedGen C1970160.

gnomAD v4.1: 2 of 1,613,770 alleles (0.00012%); highest among the groups gnomAD compares: Admixed American, 0.0033%; no homozygotes.

Submission:

Labcorp Genetics (formerly Invitae), Labcorp
Classification: Uncertain significance for Epilepsy, childhood absence 4; Epilepsy, idiopathic generalized, susceptibility to, 13; Idiopathic generalized epilepsy. Last evaluated: 2024-01-29. Review status: criteria provided, single submitter. Criteria: Invitae Variant Classification Sherloc (09022015). Collection method: clinical testing. Allele origin: germline.
Comment: This sequence change replaces valine, which is neutral and non-polar, with alanine, which is neutral and non-polar, at codon 400 of the GABRA1 protein (p.Val400Ala). The frequency data for this variant in the population databases is considered unreliable, as metrics indicate poor data quality at this position in the gnomAD database. This variant has not been reported in the literature in individuals affected with GABRA1-related conditions. Advanced modeling of protein sequence and biophysical properties (such as structural, functional, and spatial information, amino acid conservation, physicochemical variation, residue mobility, and thermodynamic stability) performed at Invitae indicates that this missense variant is not expected to disrupt GABRA1 protein function with a negative predictive value of 95%. In summary, the available evidence is currently insufficient to determine the role of this variant in disease. Therefore, it has been classified as a Variant of Uncertain Significance.